The following is an entry in ClinVar:

ClinVar aggregate classification (germline): Uncertain significance. Review status: criteria provided, multiple submitters, no conflicts (2 of 4 stars). 3 submissions from 3 submitters: Uncertain significance (3). Last evaluated 2025-08-18.

Conditions:
Inborn genetic diseases. Identifiers: MedGen C0950123, MeSH D030342.
ATL3-related disorder. Also called: ATL3-related condition.
Neuropathy, hereditary sensory, type 1F. Also called: Hereditary sensory neuropathy type IF; HSN IF. Identifiers: Orphanet 36386, MedGen C3810194, MONDO:0014286, OMIM 615632.

Allele frequency attached by ClinVar (database versions not stated): ExAC 0.00002; ESP Exome Variant Server 0.00008.
gnomAD v4.1: 13 of 1,614,054 alleles (0.00081%); highest among the groups gnomAD compares: African/African-American, 0.0053%; no homozygotes.

Submissions (3):

Labcorp Genetics (formerly Invitae), Labcorp
Classification: Uncertain significance for Neuropathy, hereditary sensory, type 1F. Last evaluated: 2025-08-18. Review status: criteria provided, single submitter. Criteria: Invitae Variant Classification Sherloc (09022015). Collection method: clinical testing. Allele origin: germline.
Comment: This sequence change replaces arginine, which is basic and polar, with cysteine, which is neutral and slightly polar, at codon 497 of the ATL3 protein (p.Arg497Cys). This variant is present in population databases (rs373239913, gnomAD 0.01%). This variant has not been reported in the literature in individuals affected with ATL3-related conditions. ClinVar contains an entry for this variant (Variation ID: 1773732). An algorithm developed to predict the effect of missense changes on protein structure and function (PolyPhen-2) suggests that this variant is likely to be disruptive. In summary, the available evidence is currently insufficient to determine the role of this variant in disease. Therefore, it has been classified as a Variant of Uncertain Significance.

PreventionGenetics, part of Exact Sciences
Classification: Uncertain significance for ATL3-related condition. Last evaluated: 2025-08-07. Review status: criteria provided, single submitter. Criteria: ACMG Guidelines, 2015. Collection method: clinical testing. Allele origin: germline.
Comment: The ATL3 c.1489C>T variant is predicted to result in the amino acid substitution p.Arg497Cys. To our knowledge, this variant has not been reported in the literature. This variant is reported in 0.013% of alleles in individuals of African descent in gnomAD. At this time, the clinical significance of this variant is uncertain due to the absence of conclusive functional and genetic evidence.

Ambry Genetics
Classification: Uncertain significance for Inborn genetic diseases. Last evaluated: 2021-07-15. Review status: criteria provided, single submitter. Criteria: Ambry Variant Classification Scheme 2023. Collection method: clinical testing. Allele origin: germline.
Comment: The p.R497C variant (also known as c.1489C>T), located in coding exon 12 of the ATL3 gene, results from a C to T substitution at nucleotide position 1489. The arginine at codon 497 is replaced by cysteine, an amino acid with highly dissimilar properties. This amino acid position is conserved. In addition, the in silico prediction for this alteration is inconclusive. Since supporting evidence is limited at this time, the clinical significance of this alteration remains unclear.

NM_015459.5(ATL3):c.1489C>T (p.Arg497Cys)

Genes: ATL3 (atlastin GTPase 3; minus strand), LNCROPM (lncRNA regulator of PLAAT3 mediated phospholipid metabolism; plus strand). Cytogenetic location: 11q13.1.
Variant type: single nucleotide variant.
Coding change: c.1489C>T on transcript NM_015459.5 (MANE Select); coding-DNA position 1489, C replaced by T.
Protein change: p.Arg497Cys; replaces arginine 497 with cysteine.
Molecular consequence: missense variant.
Genome position (GRCh38, 1-based): chr11:63,631,090, G>A on the plus strand (C>T on the coding strand, the complement: ATL3 is on the minus strand). VCF-style: chr11-63631090-G-A. GRCh37 (hg19) VCF-style: chr11-63398562-G-A.
Other names: c.1435C>T, p.Arg479Cys (NM_001290048.2); c.1489C>T (NM_015459.4); short protein forms R479C, R497C.
Identifiers: ClinVar variation 1773732 (VCV001773732.8), dbSNP rs373239913, ClinGen allele CA6063511.
Genomic context (GRCh38, chr11:63,631,090, plus strand): 5'-CACCACTTACCTGCTCCAACACATATGCGGCACCAAAATCAATAGCTCCGCCCAGCTCAC[G>A]ATATTGACCAGAATACCTGATGTAGCCCCAGGTGAGGAGTGCTATTAACAGTAGTCCAAC-3'
Protein context (NP_056274.3, residues 487-507): WGYIRYSGQY[Arg497Cys]ELGGAIDFGA